The following is an entry in ClinVar:

NM_006766.5(KAT6A):c.3328G>T (p.Asp1110Tyr)

Gene: KAT6A (lysine acetyltransferase 6A; minus strand). Cytogenetic location: 8p11.21.
Variant type: single nucleotide variant.
Coding change: c.3328G>T on transcript NM_006766.5 (MANE Select); coding-DNA position 3328, G replaced by T.
Protein change: p.Asp1110Tyr; replaces aspartic acid 1110 with tyrosine.
Molecular consequence: missense variant.
Genome position (GRCh38, 1-based): chr8:41,937,280, C>A on the plus strand (G>T on the coding strand, the complement: KAT6A is on the minus strand). VCF-style: chr8-41937280-C-A. GRCh37 (hg19) VCF-style: chr8-41794798-C-A.
Other names: short protein forms D1110Y.
Identifiers: ClinVar variation 2852677 (VCV002852677.3), dbSNP rs2486763089, ClinGen allele CA371069818.

ClinVar aggregate classification (germline): Uncertain significance (1 of 4 stars; one submission).

Submission:

Labcorp Genetics (formerly Invitae), Labcorp
Classification: Uncertain significance. Last evaluated: 2023-04-06. Review status: criteria provided, single submitter. Criteria: Invitae Variant Classification Sherloc (09022015). Collection method: clinical testing. Allele origin: germline.
Comment: This sequence change replaces aspartic acid, which is acidic and polar, with tyrosine, which is neutral and polar, at codon 1110 of the KAT6A protein (p.Asp1110Tyr). This variant is not present in population databases (gnomAD no frequency). This variant has not been reported in the literature in individuals affected with KAT6A-related conditions. Advanced modeling of protein sequence and biophysical properties (such as structural, functional, and spatial information, amino acid conservation, physicochemical variation, residue mobility, and thermodynamic stability) performed at Invitae indicates that this missense variant is not expected to disrupt KAT6A protein function. In summary, the available evidence is currently insufficient to determine the role of this variant in disease. Therefore, it has been classified as a Variant of Uncertain Significance.